The following is an entry in ClinVar:

ClinVar aggregate classification (germline): Uncertain significance. Review status: criteria provided, multiple submitters, no conflicts (2 of 4 stars). 3 submissions from 3 submitters: Uncertain significance (3). Last evaluated 2025-10-16.

Conditions:
MLH3-related disorder. Also called: MLH3-related condition.
Colorectal cancer, hereditary nonpolyposis, type 7. Identifiers: Orphanet 144, MedGen C1858380, MONDO:0013725, OMIM 614385.

Allele frequency attached by ClinVar (database versions not stated): ExAC 0.00001; gnomAD 0.00001; gnomAD exomes 0.00001 and 0.00004; TOPMed 0.00001.

Submissions (3):

Ambry Genetics
Classification: Uncertain significance. Last evaluated: 2025-10-16. Review status: criteria provided, single submitter. Criteria: Ambry Variant Classification Scheme 2023. Collection method: clinical testing. Allele origin: germline.
Comment: The p.V41M variant (also known as c.121G>A), located in coding exon 1 of the MLH3 gene, results from a G to A substitution at nucleotide position 121. The valine at codon 41 is replaced by methionine, an amino acid with highly similar properties. This amino acid position is highly conserved in available vertebrate species. In addition, this alteration is predicted to be deleterious by in silico analysis. Since supporting evidence is limited at this time, the clinical significance of this alteration remains unclear.

Labcorp Genetics (formerly Invitae), Labcorp
Classification: Uncertain significance for Colorectal cancer, hereditary nonpolyposis, type 7. Last evaluated: 2025-03-18. Review status: criteria provided, single submitter. Criteria: Invitae Variant Classification Sherloc (09022015). Collection method: clinical testing. Allele origin: germline.
Comment: This sequence change replaces valine, which is neutral and non-polar, with methionine, which is neutral and non-polar, at codon 41 of the MLH3 protein (p.Val41Met). This variant is present in population databases (rs770297216, gnomAD 0.002%). This variant has not been reported in the literature in individuals affected with MLH3-related conditions. ClinVar contains an entry for this variant (Variation ID: 1426409). An algorithm developed to predict the effect of missense changes on protein structure and function (PolyPhen-2) suggests that this variant is likely to be disruptive. In summary, the available evidence is currently insufficient to determine the role of this variant in disease. Therefore, it has been classified as a Variant of Uncertain Significance.

PreventionGenetics, part of Exact Sciences
Classification: Uncertain significance for MLH3-related condition. Last evaluated: 2023-08-23. Review status: criteria provided, single submitter. Criteria: ACMG Guidelines, 2015. Collection method: clinical testing. Allele origin: germline.
Comment: The MLH3 c.121G>A variant is predicted to result in the amino acid substitution p.Val41Met. To our knowledge, this variant has not been reported in the literature. This variant is reported in 2 of ~251,000 alleles in gnomAD. It is interpreted as uncertain significance in ClinVar. At this time, the clinical significance of this variant is uncertain due to the absence of conclusive functional and genetic evidence.

NM_001040108.2(MLH3):c.121G>A (p.Val41Met)

Gene: MLH3 (mutL homolog 3; minus strand). Cytogenetic location: 14q24.3.
Variant type: single nucleotide variant.
Coding change: c.121G>A on transcript NM_001040108.2 (MANE Select); coding-DNA position 121, G replaced by A.
Protein change: p.Val41Met; replaces valine 41 with methionine.
Molecular consequence: missense variant.
Genome position (GRCh38, 1-based): chr14:75,049,535, C>T on the plus strand (G>A on the coding strand, the complement: MLH3 is on the minus strand). VCF-style: chr14-75049535-C-T. GRCh37 (hg19) VCF-style: chr14-75516238-C-T.
Other names: c.121G>A, p.Val41Met (NM_014381.3); short protein forms V41M.
Identifiers: ClinVar variation 1426409 (VCV001426409.10), dbSNP rs770297216, ClinGen allele CA7276094.
Genomic context (GRCh38, chr14:75,049,535, plus strand): 5'-TCCCAAATCCATTGTCTATCACTTGAACTTGGAAGGTTTCCATATTCACCCTGACAGCCA[C>T]ACATTTTGCTTCAGCATCAATACTGTTGAGGGCAAGTTCCTCAACACATTGGCCCAAGGA-3'
Protein context (NP_001035197.1, residues 31-51): LNSIDAEAKC[Val41Met]AVRVNMETFQ